The following is an entry in ClinVar:

ClinVar aggregate classification (germline): Uncertain significance. Review status: criteria provided, multiple submitters, no conflicts (2 of 4 stars). 2 submissions from 2 submitters: Uncertain significance (2). Last evaluated 2025-07-06.

Conditions:
Hereditary cancer-predisposing syndrome. Also called: Neoplastic Syndromes, Hereditary; Hereditary Cancer Syndrome; Tumor predisposition; Hereditary neoplastic syndrome. Identifiers: Orphanet 140162, MedGen C0027672, MeSH D009386, MONDO:0015356.
Neurofibromatosis, type 1 (NF1). Also called: VON RECKLINGHAUSEN DISEASE; NEUROFIBROMATOSIS, TYPE I, SOMATIC; Peripheral type neurofibromatosis; Neurofibromatosis, type I. Identifiers: Orphanet 636, MedGen C0027831, MONDO:0018975, OMIM 162200. Disease mechanism: loss of function.

gnomAD v4.1: 1 of 1,614,150 alleles (0.000062%); highest among the groups gnomAD compares: Non-Finnish European, 0.000085%; no homozygotes.

Submissions (2):

Labcorp Genetics (formerly Invitae), Labcorp
Classification: Uncertain significance for Neurofibromatosis, type 1. Last evaluated: 2025-07-06. Review status: criteria provided, single submitter. Criteria: Invitae Variant Classification Sherloc (09022015). Collection method: clinical testing. Allele origin: germline.
Comment: This sequence change replaces isoleucine, which is neutral and non-polar, with phenylalanine, which is neutral and non-polar, at codon 1597 of the NF1 protein (p.Ile1597Phe). This variant is not present in population databases (gnomAD no frequency). This variant has not been reported in the literature in individuals affected with NF1-related conditions. ClinVar contains an entry for this variant (Variation ID: 1692340). Invitae Evidence Modeling of protein sequence and biophysical properties (such as structural, functional, and spatial information, amino acid conservation, physicochemical variation, residue mobility, and thermodynamic stability) has been performed for this missense variant. However, the output from this modeling did not meet the statistical confidence thresholds required to predict the impact of this variant on NF1 protein function. In summary, the available evidence is currently insufficient to determine the role of this variant in disease. Therefore, it has been classified as a Variant of Uncertain Significance.

Sema4
Classification: Uncertain significance for Hereditary cancer-predisposing syndrome. Last evaluated: 2022-02-01. Review status: criteria provided, single submitter. Criteria: Sema4 Curation Guidelines. Collection method: curation. Allele origin: germline.
Comment: To the best of our knowledge, the NF1 c.4789A>T (p.I1597F) variant has not been reported in individuals with NF1-related disease. It was not observed in the large and broad cohorts of the Genome Aggregation Database (PMID: 32461654). The variant has not been reported in ClinVar. Functional studies have not been performed, and in silico predictions of the variant's effect on protein function are inconclusive. The evidence is insufficient to meet ACMG/AMP criteria for classifying the variant as benign or pathogenic. Thus, the clinical significance of this variant is currently uncertain.

NM_001042492.3(NF1):c.4852A>T (p.Ile1618Phe)

Gene: NF1 (neurofibromin 1; plus strand). Cytogenetic location: 17q11.2.
Variant type: single nucleotide variant.
Coding change: c.4852A>T on transcript NM_001042492.3 (MANE Select); coding-DNA position 4852, A replaced by T.
Protein change: p.Ile1618Phe; replaces isoleucine 1618 with phenylalanine.
Molecular consequence: missense variant.
Genome position (GRCh38, 1-based): chr17:31,325,836, A>T. VCF-style: chr17-31325836-A-T. GRCh37 (hg19) VCF-style: chr17-29652854-A-T.
Other names: c.4789A>T, p.Ile1597Phe (NM_000267.4); short protein forms I1597F, I1618F.
Identifiers: ClinVar variation 1692340 (VCV001692340.3), dbSNP rs1208118952, ClinGen allele CA399006917.